The following is an entry in ClinVar:

NM_001291867.2(NHS):c.3785C>T (p.Thr1262Met)

Gene: NHS (NHS actin remodeling regulator; plus strand). Cytogenetic location: Xp22.13.
Variant type: single nucleotide variant.
Coding change: c.3785C>T on transcript NM_001291867.2 (MANE Select); coding-DNA position 3785, C replaced by T.
Protein change: p.Thr1262Met; replaces threonine 1262 with methionine.
Molecular consequence: missense variant.
Genome position (GRCh38, 1-based): chrX:17,727,891, C>T. VCF-style: chrX-17727891-C-T. GRCh37 (hg19) VCF-style: chrX-17746011-C-T.
Other names: c.3254C>T, p.Thr1085Met (NM_001136024.4); c.3191C>T, p.Thr1064Met (NM_001291868.2); c.3722C>T, p.Thr1241Met (NM_198270.4); short protein forms T1241M, T1085M, T1064M, T1262M.
Identifiers: ClinVar variation 588843 (VCV000588843.15), dbSNP rs141013518, ClinGen allele CA10358852.
Genomic context (GRCh38, chrX:17,727,891, plus strand): 5'-TAGATTCAAATGTCACAAAAGACCAAGTGCGTACAGAGACTGAGCCTATTCCAGAAAACA[C>T]GCCAACCAAAAACTGTGCTTTTCCCACAGAAGGATTTCAGAGGGTCTCTGCTGCCCGCCC-3'
Protein context (NP_001278796.1, residues 1252-1272): RTETEPIPEN[Thr1262Met]PTKNCAFPTE

ClinVar aggregate classification (germline): Conflicting classifications of pathogenicity. Review status: criteria provided, conflicting classifications (1 of 4 stars). 3 submissions from 3 submitters: Uncertain significance (1); Benign (1). 1 of the submissions does not count toward it. Last evaluated 2025-01-14.

Conditions:
Inborn genetic diseases. Identifiers: MedGen C0950123, MeSH D030342.
NHS-related disorder. Also called: NHS-related condition.
Nance-Horan syndrome (NHS). Identifiers: Orphanet 627, MedGen C0796085, MONDO:0010545, OMIM 302350.

Allele frequency attached by ClinVar (database versions not stated): ExAC 0.00022; gnomAD 0.00033 and 0.00037; ESP Exome Variant Server 0.00047; TOPMed 0.00048.
gnomAD v4.1: 105 of 1,210,088 alleles (0.0087%); highest among the groups gnomAD compares: African/African-American, 0.14%; no homozygotes.

Submissions (3):

Labcorp Genetics (formerly Invitae), Labcorp
Classification: Benign for Nance-Horan syndrome. Last evaluated: 2025-01-14. Review status: criteria provided, single submitter. Criteria: Invitae Variant Classification Sherloc (09022015). Collection method: clinical testing. Allele origin: germline.

Ambry Genetics
Classification: Uncertain significance for Inborn genetic diseases. Last evaluated: 2021-08-02. Review status: criteria provided, single submitter. Criteria: Ambry Variant Classification Scheme 2023. Collection method: clinical testing. Allele origin: germline.

PreventionGenetics, part of Exact Sciences
Classification: Likely benign for NHS-related condition. Last evaluated: 2020-10-13. Review status: no assertion criteria provided. Collection method: clinical testing. Allele origin: germline. Not counted in ClinVar's aggregate classification.
Comment: This variant is classified as likely benign based on ACMG/AMP sequence variant interpretation guidelines (Richards et al. 2015 PMID: 25741868, with internal and published modifications).